The following is an entry in ClinVar:

ClinVar aggregate classification (germline): Benign/Likely benign. Review status: criteria provided, multiple submitters, no conflicts (2 of 4 stars). 9 submissions from 9 submitters: Benign (4); Likely benign (4). 1 of the submissions does not count toward it. Last evaluated 2026-02-02.

Conditions:
Cardiovascular phenotype. Identifiers: MedGen CN230736.
ANK2-related disorder. Also called: ANK2-related condition.
Long QT syndrome (LQTS). Identifiers: MedGen C0023976, MeSH D008133, MONDO:0002442. Disease mechanism: loss of function. Inheritance: Various modes of inheritance.
Cardiac arrhythmia, ankyrin-B-related. Also called: ANKYRIN-B SYNDROME. Identifiers: Orphanet 101016, Orphanet 768, MedGen C1970119, MONDO:0010958, OMIM 600919.

Allele frequency attached by ClinVar (database versions not stated): gnomAD exomes 0.00008 and 0.00024; ExAC 0.00024; gnomAD 0.00088 and 0.00095; TOPMed 0.00101; ESP Exome Variant Server 0.00108; 1000 Genomes Project 0.00140; 1000 Genomes Project 30x 0.00156.
gnomAD v4.1: 255 of 1,613,996 alleles (0.016%); highest among the groups gnomAD compares: African/African-American, 0.31%; no homozygotes.

Submissions (9):

Labcorp Genetics (formerly Invitae), Labcorp
Classification: Benign for Long QT syndrome. Last evaluated: 2026-02-02. Review status: criteria provided, single submitter. Criteria: Invitae Variant Classification Sherloc (09022015). Collection method: clinical testing. Allele origin: germline.

Blueprint Genetics
Classification: Likely benign. Last evaluated: 2024-07-18. Review status: criteria provided, single submitter. Criteria: ACMG Guidelines, 2015. Collection method: clinical testing. Allele origin: germline.

CeGaT Center for Human Genetics Tuebingen
Classification: Benign. Last evaluated: 2022-09-01. Review status: criteria provided, single submitter. Criteria: CeGaT Center For Human Genetics Tuebingen Variant Classification Criteria Version 2. Collection method: clinical testing. Allele origin: germline. Affected: yes. Observed: 1 variant allele.
Comment: ANK2: BS1, BS2

Genome-Nilou Lab
Classification: Benign for Cardiac arrhythmia, ankyrin-B-related. Last evaluated: 2021-12-05. Review status: criteria provided, single submitter. Criteria: ACMG Guidelines, 2015. Collection method: clinical testing. Allele origin: germline. Affected: no.

GeneDx
Classification: Likely benign. Last evaluated: 2020-09-25. Review status: criteria provided, single submitter. Criteria: GeneDx Variant Classification Process June 2021. Collection method: clinical testing. Allele origin: germline. Affected: yes.

Ambry Genetics
Classification: Likely benign for Cardiovascular phenotype. Last evaluated: 2017-01-04. Review status: criteria provided, single submitter. Criteria: Ambry Variant Classification Scheme 2023. Collection method: clinical testing. Allele origin: germline.

Women's Health and Genetics/Laboratory Corporation of America, LabCorp
Classification: Benign. Last evaluated: 2016-09-06. Review status: criteria provided, single submitter. Criteria: LabCorp Variant Classification Summary - May 2015. Collection method: clinical testing. Allele origin: germline.
Comment: Variant summary: The ANK2 c.5985G>A (p.Lys1995Lys) variant involves the alteration of a conserved nucleotide, resulting in a synonymous change. One in silico tool predicts a damaging outcome for this variant, and 5/5 splicing algorithms predict no significant change to normal splicing. This variant was found in 29/120876 control chromosomes, predominantly observed in the African subpopulation at a frequency of 0.0027855 (28/10052). This frequency is about 279 times the estimated maximal expected allele frequency of a pathogenic ANK2 variant (0.00001), suggesting this is likely a benign polymorphism found primarily in the populations of African origin. The variant of interest has not, to our knowledge, been reported in affected individuals via publications and/or reputable databases/clinical diagnostic laboratories; nor evaluated for functional impact by in vivo/vitro studies. Taken together, this variant is classified as benign.

Breakthrough Genomics
Classification: Likely benign. Review status: criteria provided, single submitter. Criteria: ACMG Guidelines, 2015. Collection method: not provided. Allele origin: germline. Inheritance: Autosomal dominant inheritance. Affected: yes.

PreventionGenetics, part of Exact Sciences
Classification: Likely benign for ANK2-related condition. Last evaluated: 2019-02-19. Review status: no assertion criteria provided. Collection method: clinical testing. Allele origin: germline. Not counted in ClinVar's aggregate classification.
Comment: This variant is classified as likely benign based on ACMG/AMP sequence variant interpretation guidelines (Richards et al. 2015 PMID: 25741868, with internal and published modifications).

NM_001148.6(ANK2):c.5985G>A (p.Lys1995=)

Genes: ANK2 (ankyrin 2; plus strand), LOC126807136 (MED14-independent group 3 enhancer GRCh37_chr4:114274931-114276130; plus strand). Cytogenetic location: 4q26.
Variant type: single nucleotide variant.
Coding change: c.5985G>A on transcript NM_001148.6 (MANE Select); coding-DNA position 5985, G replaced by A.
Protein change: p.Lys1995=; no amino-acid change (lysine 1995 retained).
Molecular consequence: synonymous variant. On other transcripts: intron variant (68).
Genome position (GRCh38, 1-based): chr4:113,354,603, G>A. VCF-style: chr4-113354603-G-A. GRCh37 (hg19) VCF-style: chr4-114275759-G-A.
Other names: c.5751G>A, p.Lys1917= (NM_001386142.1); c.2385G>A, p.Lys795= (NM_001386166.1); c.6126G>A, p.Lys2042= (NM_001386174.1); c.6102G>A, p.Lys2034= (NM_001386175.1); c.4411+4354G>A (NM_001386186.2, NM_001386148.2); c.4213+4354G>A (NM_001354269.3); c.4291+4354G>A (NM_001386187.2); c.4252+4354G>A (NM_001386147.1); and 35 more.
Identifiers: ClinVar variation 263628 (VCV000263628.45), dbSNP rs116652427, ClinGen allele CA3051338.
Genomic context (GRCh38, chr4:113,354,603, plus strand): 5'-ATCCCCCACTTCAAAAACAGAGAGGATTGAGGAAACCATGTCTGTTCGGGAGCTGATGAA[G>A]GCTTTCCAGTCAGGTCAGGACCCTTCTAAACATAAAACTGGACTCTTTGAGCACAAATCA-3'
Protein context (NP_001139.3, residues 1985-2005): EETMSVRELM[Lys1995=]AFQSGQDPSK